The following is an entry in ClinVar:

NM_001184.4(ATR):c.7567A>G (p.Met2523Val)

Gene: ATR (ATR serine/threonine kinase; minus strand). Cytogenetic location: 3q23.
Variant type: single nucleotide variant.
Coding change: c.7567A>G on transcript NM_001184.4 (MANE Select); coding-DNA position 7567, A replaced by G.
Protein change: p.Met2523Val; replaces methionine 2523 with valine.
Molecular consequence: missense variant.
Genome position (GRCh38, 1-based): chr3:142,457,692, T>C on the plus strand (A>G on the coding strand, the complement: ATR is on the minus strand). VCF-style: chr3-142457692-T-C. GRCh37 (hg19) VCF-style: chr3-142176534-T-C.
Other names: c.7375A>G, p.Met2459Val (NM_001354579.2); short protein forms M2459V, M2523V.
Identifiers: ClinVar variation 3330710 (VCV003330710.1).

ClinVar aggregate classification (germline): Uncertain significance (1 of 4 stars; one submission).

Conditions:
Inborn genetic diseases. Identifiers: MedGen C0950123, MeSH D030342.

Submission:

Ambry Genetics
Classification: Uncertain significance for Inborn genetic diseases. Last evaluated: 2024-05-10. Review status: criteria provided, single submitter. Criteria: Ambry Variant Classification Scheme 2023. Collection method: clinical testing. Allele origin: germline.
Comment: The p.M2523V variant (also known as c.7567A>G), located in coding exon 45 of the ATR gene, results from an A to G substitution at nucleotide position 7567. The methionine at codon 2523 is replaced by valine, an amino acid with highly similar properties. This amino acid position is conserved. In addition, this alteration is predicted to be deleterious by in silico analysis. Based on the available evidence, the clinical significance of this variant remains unclear.